The following is an entry in ClinVar:

NM_016592.5(GNAS):c.206A>T (p.His69Leu)

Genes: GNAS-AS1 (GNAS antisense RNA 1; minus strand), GNAS (GNAS complex locus; plus strand). Cytogenetic location: 20q13.32.
Variant type: single nucleotide variant.
Coding change: c.206A>T on transcript NM_016592.5 (MANE Plus Clinical); coding-DNA position 206, A replaced by T.
Protein change: p.His69Leu; replaces histidine 69 with leucine.
Molecular consequence: missense variant. On other transcripts: 5 prime UTR variant (1).
Genome position (GRCh38, 1-based): chr20:58,840,312, A>T. VCF-style: chr20-58840312-A-T. GRCh37 (hg19) VCF-style: chr20-57415367-A-T.
Other names: c.-532A>T (NM_001410912.1); short protein forms H69L.
Identifiers: ClinVar variation 3035607 (VCV003035607.3), dbSNP rs756711953, ClinGen allele CA9926277.

ClinVar aggregate classification (germline): Uncertain significance. Review status: criteria provided, single submitter (1 of 4 stars). 2 submissions from 2 submitters: Uncertain significance (1). 1 of the submissions does not count toward it. Last evaluated 2024-08-27.

Conditions:
GNAS-related disorder. Identifiers: MedGen CN380105.

Allele frequency attached by ClinVar (database versions not stated): gnomAD exomes 0.00003; TOPMed 0.00005; gnomAD 0.00008; ExAC 0.00013.
gnomAD v4.1: 54 of 1,612,118 alleles (0.0033%); highest among the groups gnomAD compares: Admixed American, 0.085%; no homozygotes.

Submissions (2):

GeneDx
Classification: Uncertain significance. Last evaluated: 2024-08-27. Review status: criteria provided, single submitter. Criteria: GeneDx Variant Classification Process June 2021. Collection method: clinical testing. Allele origin: germline. Affected: yes.
Comment: In silico analysis indicates that this missense variant does not alter protein structure/function; Has not been previously published as pathogenic or benign to our knowledge; Reported using an alternate transcript of the gene

PreventionGenetics, part of Exact Sciences
Classification: Likely benign for GNAS-related condition. Last evaluated: 2022-06-22. Review status: no assertion criteria provided. Collection method: clinical testing. Allele origin: germline. Not counted in ClinVar's aggregate classification.
Comment: This variant is classified as likely benign based on ACMG/AMP sequence variant interpretation guidelines (Richards et al. 2015 PMID: 25741868, with internal and published modifications).